The following is an entry in ClinVar:

NM_198576.4(AGRN):c.5224G>A (p.Asp1742Asn)

Gene: AGRN (agrin; plus strand). Cytogenetic location: 1p36.33.
Variant type: single nucleotide variant.
Coding change: c.5224G>A on transcript NM_198576.4 (MANE Select); coding-DNA position 5224, G replaced by A.
Protein change: p.Asp1742Asn; replaces aspartic acid 1742 with asparagine.
Molecular consequence: missense variant.
Genome position (GRCh38, 1-based): chr1:1,050,808, G>A. VCF-style: chr1-1050808-G-A. GRCh37 (hg19) VCF-style: chr1-986188-G-A.
Other names: c.5224G>A, p.Asp1742Asn (NM_001305275.2); c.4909G>A, p.Asp1637Asn (NM_001364727.2); short protein forms D1742N, D1637N.
Identifiers: ClinVar variation 859568 (VCV000859568.7), dbSNP rs773290813, ClinGen allele CA509914.
Genomic context (GRCh38, chr1:1,050,808, plus strand): 5'-GGAGCCTGGACCAGGGTCTCACTGGAGCGAAACGGCCGCAAGGGTGCCCTGCGTGTGGGC[G>A]ACGGCCCCCGTGTGTTGGGGGAGTCCCCGGTGAGTGCTCTGGGCCGCGAGGGGACTCCCG-3'
Protein context (NP_940978.2, residues 1732-1752): NGRKGALRVG[Asp1742Asn]GPRVLGESPV

ClinVar aggregate classification (germline): Uncertain significance (1 of 4 stars; one submission).

Conditions:
Congenital myasthenic syndrome 8. Also called: Myasthenic syndrome, congenital, 8, with pre- and postsynaptic defects; MYASTHENIC SYNDROME, CONGENITAL, DUE TO AGRIN DEFICIENCY. Identifiers: Orphanet 590, MedGen C3808739, MONDO:0014052, OMIM 615120.

Allele frequency attached by ClinVar (database versions not stated): ExAC 0.00002.

Submission:

Labcorp Genetics (formerly Invitae), Labcorp
Classification: Uncertain significance for Congenital myasthenic syndrome 8. Last evaluated: 2022-07-23. Review status: criteria provided, single submitter. Criteria: Invitae Variant Classification Sherloc (09022015). Collection method: clinical testing. Allele origin: germline.
Comment: This variant has not been reported in the literature in individuals affected with AGRN-related conditions. The frequency data for this variant in the population databases is considered unreliable, as metrics indicate poor data quality at this position in the gnomAD database. This sequence change replaces aspartic acid, which is acidic and polar, with asparagine, which is neutral and polar, at codon 1742 of the AGRN protein (p.Asp1742Asn). ClinVar contains an entry for this variant (Variation ID: 859568). In summary, the available evidence is currently insufficient to determine the role of this variant in disease. Therefore, it has been classified as a Variant of Uncertain Significance. Algorithms developed to predict the effect of missense changes on protein structure and function (SIFT, PolyPhen-2, Align-GVGD) all suggest that this variant is likely to be tolerated.